The following is an entry in ClinVar:

NM_022552.5(DNMT3A):c.192C>T (p.Asp64=)

Gene: DNMT3A (DNA methyltransferase 3 alpha; minus strand). Cytogenetic location: 2p23.3.
Variant type: single nucleotide variant.
Coding change: c.192C>T on transcript NM_022552.5 (MANE Select); coding-DNA position 192, C replaced by T.
Protein change: p.Asp64=; no amino-acid change (aspartic acid 64 retained).
Molecular consequence: synonymous variant. On other transcripts: non-coding transcript variant (1).
Genome position (GRCh38, 1-based): chr2:25,282,697, G>A on the plus strand (C>T on the coding strand, the complement: DNMT3A is on the minus strand). VCF-style: chr2-25282697-G-A. GRCh37 (hg19) VCF-style: chr2-25505566-G-A.
Other names: c.192C>T, p.Asp64= (NM_001320892.2, NM_175629.2, NM_175630.1).
Identifiers: ClinVar variation 4985534 (VCV004985534.1).
Genomic context (GRCh38, chr2:25,282,697, plus strand): 5'-GGCGCCTGAGTCCTGGGCCATGGATGGGGACTTGGAGATCACCGCAGGGTCCTTTGGCGT[G>A]TCACCGCTTTCCACCTGCAAATGTAAGAAAGATACACAAGAGGAGGGTTAGATCAGTGGG-3'
Protein context (NP_072046.2, residues 54-74): KRKHPPVESG[Asp64=]TPKDPAVISK

ClinVar aggregate classification (germline): Likely benign (1 of 4 stars; one submission).

Conditions:
DNMT3A-related disorder. Also called: DNMT3A-related disorders; DNMT3A-related condition.

gnomAD v4.1: 17 of 1,531,926 alleles (0.0011%); highest among the groups gnomAD compares: Non-Finnish European, 0.0015%; no homozygotes.

Submission:

PreventionGenetics, part of Exact Sciences
Classification: Likely benign for DNMT3A-related condition. Last evaluated: 2026-06-08. Review status: criteria provided, single submitter. Criteria: ACMG Guidelines, 2015. Collection method: clinical testing. Allele origin: germline.
Comment: This variant is classified as likely benign based on ACMG/AMP sequence variant interpretation guidelines (Richards et al. 2015 PMID: 25741868, with internal and published modifications).